The following is an entry in ClinVar:

ClinVar aggregate classification (germline): Benign. Review status: criteria provided, single submitter (1 of 4 stars). 3 submissions from 3 submitters: Benign (1). 2 of the submissions do not count toward it. Last evaluated 2024-08-20.

Conditions:
SETD2-related disorder.
Luscan-Lumish syndrome. Identifiers: Orphanet 597738, MedGen C4085873, MONDO:0014791, OMIM 616831.

Allele frequency attached by ClinVar (database versions not stated): gnomAD exomes 0.00006; ExAC 0.00007; ESP Exome Variant Server 0.00015; gnomAD 0.00023 and 0.00024; TOPMed 0.00027; 1000 Genomes Project 30x 0.00062; 1000 Genomes Project 0.00080.
gnomAD v4.1: 111 of 1,614,140 alleles (0.0069%); highest among the groups gnomAD compares: African/African-American, 0.12%; 2 homozygotes.

Submissions (3):

Labcorp Genetics (formerly Invitae), Labcorp
Classification: Benign for Luscan-Lumish syndrome. Last evaluated: 2024-08-20. Review status: criteria provided, single submitter. Criteria: Invitae Variant Classification Sherloc (09022015). Collection method: clinical testing. Allele origin: germline.

PreventionGenetics, part of Exact Sciences
Classification: Likely benign for SETD2-related condition. Last evaluated: 2019-03-26. Review status: no assertion criteria provided. Collection method: clinical testing. Allele origin: germline. Not counted in ClinVar's aggregate classification.
Comment: This variant is classified as likely benign based on ACMG/AMP sequence variant interpretation guidelines (Richards et al. 2015 PMID: 25741868, with internal and published modifications).

ITMI
No classification provided. Condition: AllHighlyPenetrant. Last evaluated: 2013-09-19. Review status: no classification provided. Collection method: reference population. Allele origin: germline. Not counted in ClinVar's aggregate classification.
Comment: Please see associated publication for description of ethnicities

Literature cited by the submitters: PubMed 24728327 (cited by ITMI).

NM_014159.7(SETD2):c.5812G>A (p.Val1938Ile)

Gene: SETD2 (SET domain containing 2, histone lysine methyltransferase; minus strand). Cytogenetic location: 3p21.31.
Variant type: single nucleotide variant.
Coding change: c.5812G>A on transcript NM_014159.7 (MANE Select); coding-DNA position 5812, G replaced by A.
Protein change: p.Val1938Ile; replaces valine 1938 with isoleucine.
Molecular consequence: missense variant. On other transcripts: non-coding transcript variant (1).
Genome position (GRCh38, 1-based): chr3:47,083,968, C>T on the plus strand (G>A on the coding strand, the complement: SETD2 is on the minus strand). VCF-style: chr3-47083968-C-T. GRCh37 (hg19) VCF-style: chr3-47125458-C-T.
Other names: c.5680G>A, p.Val1894Ile (NM_001349370.3); short protein forms V1938I, V1894I.
Identifiers: ClinVar variation 135203 (VCV000135203.13), dbSNP rs116417406, ClinGen allele CA162002.